The following is an entry in ClinVar:

NM_001025389.2(AMPD3):c.553C>T (p.Arg185Trp)

Gene: AMPD3 (adenosine monophosphate deaminase 3; plus strand). Cytogenetic location: 11p15.4.
Variant type: single nucleotide variant.
Coding change: c.553C>T on transcript NM_001025389.2 (MANE Select); coding-DNA position 553, C replaced by T.
Protein change: p.Arg185Trp; replaces arginine 185 with tryptophan.
Molecular consequence: missense variant.
Genome position (GRCh38, 1-based): chr11:10,482,189, C>T. VCF-style: chr11-10482189-C-T. GRCh37 (hg19) VCF-style: chr11-10503736-C-T.
Other names: c.580C>T, p.Arg194Trp (NM_000480.3); c.574C>T, p.Arg192Trp (NM_001025390.2); c.553C>T, p.Arg185Trp (NM_001172430.1); c.76C>T, p.Arg26Trp (NM_001172431.2); short protein forms R194W, R185W, R192W, R26W.
Identifiers: ClinVar variation 302158 (VCV000302158.10), dbSNP rs11042836, ClinGen allele CA5882671.

ClinVar aggregate classification (germline): Benign/Likely benign. Review status: criteria provided, multiple submitters, no conflicts (2 of 4 stars). 3 submissions from 3 submitters: Benign (1); Likely benign (2). Last evaluated 2018-01-12.

Conditions:
Erythrocyte AMP deaminase deficiency. Identifiers: Orphanet 45, MedGen C2752073, OMIM 612874, MONDO:0020734.

Allele frequency attached by ClinVar (database versions not stated): gnomAD 0.05626; 1000 Genomes Project 30x 0.02171; ESP Exome Variant Server 0.06166; gnomAD exomes 0.07422; TOPMed 0.04885; 1000 Genomes Project 0.02296.
gnomAD v4.1: 115,956 of 1,613,268 alleles (7.2%); highest among the groups gnomAD compares: Non-Finnish European, 8.4%; 4,806 homozygotes.

Submissions (3):

Illumina Laboratory Services, Illumina
Classification: Likely benign for Erythrocyte AMP deaminase deficiency. Last evaluated: 2018-01-12. Review status: criteria provided, single submitter. Criteria: ICSL Variant Classification Criteria 13 December 2019. Collection method: clinical testing. Allele origin: germline.
Comment: This variant was observed in the ICSL laboratory as part of a predisposition screen in an ostensibly healthy population. It had not been previously curated by ICSL or reported in the Human Gene Mutation Database (HGMD: prior to June 1st, 2018), and was therefore a candidate for classification through an automated scoring system. Utilizing variant allele frequency, disease prevalence and penetrance estimates, and inheritance mode, an automated score was calculated to assess if this variant is too frequent to cause the disease. Based on the score and internal cut-off values, a variant classified as likely benign is not then subjected to further curation. The score for this variant resulted in a classification of likely benign for this disease.

Eurofins Ntd Llc (ga)
Classification: Benign. Last evaluated: 2017-11-27. Review status: criteria provided, single submitter. Criteria: EGL Classification Definitions 2015. Collection method: clinical testing. Allele origin: germline. Observed: 2 variant alleles, 2 heterozygotes.

Breakthrough Genomics
Classification: Likely benign. Review status: criteria provided, single submitter. Criteria: ACMG Guidelines, 2015. Collection method: not provided. Allele origin: germline. Inheritance: Autosomal recessive inheritance. Affected: yes.